The following is an entry in ClinVar:

ClinVar aggregate classification (germline): Uncertain significance. Review status: criteria provided, multiple submitters, no conflicts (2 of 4 stars). 3 submissions from 3 submitters: Uncertain significance (3). Last evaluated 2025-09-19.

Conditions:
Basal cell carcinoma, susceptibility to, 1. Also called: BCC1. Identifiers: MedGen C2751544, MONDO:0011556, OMIM 605462.
Holoprosencephaly 7 (HPE7). Identifiers: Orphanet 2162, MedGen C1835820, MONDO:0012562, OMIM 610828.
Basal cell nevus syndrome 1 (BCNS1). Also called: GORLIN-GOLTZ SYNDROME; MULTIPLE BASAL CELL NEVI, ODONTOGENIC KERATOCYSTS, AND SKELETAL ANOMALIES. Identifiers: MedGen CN376810, MONDO:0958174, OMIM 109400.
Hereditary cancer-predisposing syndrome. Also called: Tumor predisposition; Neoplastic Syndromes, Hereditary; Hereditary neoplastic syndrome; Hereditary Cancer Syndrome. Identifiers: Orphanet 140162, MedGen C0027672, MeSH D009386, MONDO:0015356.

gnomAD v4.1: 1 of 1,614,200 alleles (0.000062%); highest among the groups gnomAD compares: African/African-American, 0.0013%; no homozygotes.

Submissions (3):

Ambry Genetics
Classification: Uncertain significance for Hereditary cancer-predisposing syndrome. Last evaluated: 2025-09-19. Review status: criteria provided, single submitter. Criteria: Ambry Variant Classification Scheme 2023. Collection method: clinical testing. Allele origin: germline.
Comment: The p.T402I variant (also known as c.1205C>T), located in coding exon 8 of the PTCH1 gene, results from a C to T substitution at nucleotide position 1205. The threonine at codon 402 is replaced by isoleucine, an amino acid with similar properties. This amino acid position is conserved. In addition, the in silico prediction for this alteration is inconclusive. Based on the available evidence, the clinical significance of this variant remains unclear.

Fulgent Genetics
Classification: Uncertain significance for Basal cell nevus syndrome 1; Basal cell carcinoma, susceptibility to, 1; Holoprosencephaly 7. Last evaluated: 2024-02-02. Review status: criteria provided, single submitter. Criteria: ACMG Guidelines, 2015. Collection method: clinical testing. Allele origin: germline.

GeneDx
Classification: Uncertain significance. Last evaluated: 2023-12-03. Review status: criteria provided, single submitter. Criteria: GeneDx Variant Classification Process June 2021. Collection method: clinical testing. Allele origin: germline. Affected: yes.
Comment: Not observed at significant frequency in large population cohorts (gnomAD); In silico analysis supports that this missense variant does not alter protein structure/function; Has not been previously published as pathogenic or benign to our knowledge; This variant is associated with the following publications: (PMID: 8906794)

NM_000264.5(PTCH1):c.1205C>T (p.Thr402Ile)

Gene: PTCH1 (patched 1; minus strand). Cytogenetic location: 9q22.32.
Variant type: single nucleotide variant.
Coding change: c.1205C>T on transcript NM_000264.5 (MANE Select); coding-DNA position 1205, C replaced by T.
Protein change: p.Thr402Ile; replaces threonine 402 with isoleucine.
Molecular consequence: missense variant. On other transcripts: non-coding transcript variant (1).
Genome position (GRCh38, 1-based): chr9:95,479,010, G>A on the plus strand (C>T on the coding strand, the complement: PTCH1 is on the minus strand). VCF-style: chr9-95479010-G-A. GRCh37 (hg19) VCF-style: chr9-98241292-G-A.
Other names: c.1007C>T, p.Thr336Ile (NM_001083602.3); c.1202C>T, p.Thr401Ile (NM_001083603.3); c.752C>T, p.Thr251Ile (NM_001083604.3, NM_001083605.3, NM_001083606.3 and 1 more transcripts); c.1205C>T, p.Thr402Ile (NM_001354918.2); short protein forms T251I, T336I, T401I, T402I.
Identifiers: ClinVar variation 3365260 (VCV003365260.3).